The following is an entry in ClinVar:

ClinVar aggregate classification (germline): Uncertain significance (1 of 4 stars; one submission).

Submission:

Labcorp Genetics (formerly Invitae), Labcorp
Classification: Uncertain significance. Last evaluated: 2024-11-05. Review status: criteria provided, single submitter. Criteria: Invitae Variant Classification Sherloc (09022015). Collection method: clinical testing. Allele origin: germline.
Comment: This variant, c.122_148del, results in the deletion of 9 amino acid(s) of the FBXO11 protein (p.Pro41_Pro49del), but otherwise preserves the integrity of the reading frame. This variant is not present in population databases (gnomAD no frequency). This variant has not been reported in the literature in individuals affected with FBXO11-related conditions. Experimental studies and prediction algorithms are not available or were not evaluated, and the functional significance of this variant is currently unknown. In summary, the available evidence is currently insufficient to determine the role of this variant in disease. Therefore, it has been classified as a Variant of Uncertain Significance.

NM_001190274.2(FBXO11):c.122_148del (p.Pro41_Pro49del)

Genes: FBXO11 (F-box protein 11; minus strand), LOC100506235 (uncharacterized LOC100506235; plus strand). Cytogenetic location: 2p16.3.
Variant type: Deletion.
Coding change: c.122_148del on transcript NM_001190274.2 (MANE Select); coding-DNA positions 122 to 148, 27 bases deleted (CCCAGCAGCAGCCTCCGCCGCCGCCGC).
Protein change: p.Pro41_Pro49del.
Molecular consequence: non-coding transcript variant (on NR_187636.1).
Genome position (GRCh38, 1-based): chr2:47,905,573-47,905,599, GCGGCGGCGGCGGAGGCTGCTGCTGGG deleted on the plus strand (CCCAGCAGCAGCCTCCGCCGCCGCCGC on the coding strand, the reverse complement: FBXO11 is on the minus strand); deleting any 27 consecutive bases within chr2:47,905,573-47,905,604 gives the same sequence; the c. name uses the placement nearest the transcript's 3' end. VCF-style (leftmost placement, unchanged base first): chr2-47905572-TGCGGCGGCGGCGGAGGCTGCTGCTGGG-T. GRCh37 (hg19) VCF-style: chr2-48132711-TGCGGCGGCGGCGGAGGCTGCTGCTGGG-T.
Identifiers: ClinVar variation 3604414 (VCV003604414.2).